The following is an entry in ClinVar:

NM_003070.5(SMARCA2):c.210G>A (p.Met70Ile)

Gene: SMARCA2 (SWI/SNF related BAF chromatin remodeling complex subunit ATPase 2; plus strand). Cytogenetic location: 9p24.3.
Variant type: single nucleotide variant.
Coding change: c.210G>A on transcript NM_003070.5 (MANE Select); coding-DNA position 210, G replaced by A.
Protein change: p.Met70Ile; replaces methionine 70 with isoleucine.
Molecular consequence: missense variant.
Genome position (GRCh38, 1-based): chr9:2,029,232, G>A. VCF-style: chr9-2029232-G-A. GRCh37 (hg19) VCF-style: chr9-2029232-G-A.
Other names: c.210G>A, p.Met70Ile (NM_001289396.2, NM_001289397.2, NM_139045.4); short protein forms M70I.
Identifiers: ClinVar variation 588943 (VCV000588943.37), dbSNP rs529054959, ClinGen allele CA4962774.

ClinVar aggregate classification (germline): Benign/Likely benign. Review status: criteria provided, multiple submitters, no conflicts (2 of 4 stars). 6 submissions from 6 submitters: Benign (3); Likely benign (2). 1 of the submissions does not count toward it. Last evaluated 2025-01-13.

Conditions:
SMARCA2-related disorder. Also called: SMARCA2-related condition.
Inborn genetic diseases. Identifiers: MedGen C0950123, MeSH D030342.

Allele frequency attached by ClinVar (database versions not stated): gnomAD 0.00002 and 0.00013; TOPMed 0.00002; gnomAD exomes 0.00019 and 0.00034; 1000 Genomes Project 30x 0.00047; ExAC 0.00051; 1000 Genomes Project 0.00060.
gnomAD v4.1: 298 of 1,611,204 alleles (0.018%); highest among the groups gnomAD compares: South Asian, 0.3%; 2 homozygotes.

Submissions (6):

Labcorp Genetics (formerly Invitae), Labcorp
Classification: Benign. Last evaluated: 2025-01-13. Review status: criteria provided, single submitter. Criteria: Invitae Variant Classification Sherloc (09022015). Collection method: clinical testing. Allele origin: germline.

Blueprint Genetics
Classification: Likely benign. Last evaluated: 2024-04-24. Review status: criteria provided, single submitter. Criteria: ACMG Guidelines, 2015. Collection method: clinical testing. Allele origin: germline.

CeGaT Center for Human Genetics Tuebingen
Classification: Benign. Last evaluated: 2023-02-01. Review status: criteria provided, single submitter. Criteria: CeGaT Center For Human Genetics Tuebingen Variant Classification Criteria Version 2. Collection method: clinical testing. Allele origin: germline. Affected: yes. Observed: 1 variant allele.
Comment: SMARCA2: BS1, BS2

GeneDx
Classification: Benign. Last evaluated: 2020-04-30. Review status: criteria provided, single submitter. Criteria: GeneDx Variant Classification Process June 2021. Collection method: clinical testing. Allele origin: germline. Affected: yes.
Comment: This variant is associated with the following publications: (PMID: 31813803)

Ambry Genetics
Classification: Likely benign for Inborn genetic diseases. Last evaluated: 2017-03-17. Review status: criteria provided, single submitter. Criteria: Ambry Variant Classification Scheme 2023. Collection method: clinical testing. Allele origin: germline.

PreventionGenetics, part of Exact Sciences
Classification: Likely benign for SMARCA2-related condition. Last evaluated: 2019-06-21. Review status: no assertion criteria provided. Collection method: clinical testing. Allele origin: germline. Not counted in ClinVar's aggregate classification.
Comment: This variant is classified as likely benign based on ACMG/AMP sequence variant interpretation guidelines (Richards et al. 2015 PMID: 25741868, with internal and published modifications).